The following is an entry in ClinVar:

ClinVar aggregate classification (germline): Uncertain significance (1 of 4 stars; one submission).

Submission:

Women's Health and Genetics/Laboratory Corporation of America, LabCorp
Classification: Uncertain significance. Last evaluated: 2026-02-26. Review status: criteria provided, single submitter. Criteria: LabCorp Variant Classification Summary - May 2015. Collection method: clinical testing. Allele origin: germline.
Comment: Variant summary: KCNC1 c.298G>A (p.Asp100Asn) results in a conservative amino acid change in the encoded protein sequence. Algorithms developed to predict the effect of missense changes on protein structure and function are either unavailable or do not agree on the potential impact of this missense change. The frequency data for this variant in gnomAD is considered unreliable, as metrics indicate poor data quality at this position. To our knowledge, no occurrence of c.298G>A in individuals affected with KCNC1-related conditions and no experimental evidence demonstrating its impact on protein function have been reported. No submitters have cited clinical-significance assessments for this variant to ClinVar. Based on the evidence outlined above, the variant was classified as uncertain significance.

NM_001112741.2(KCNC1):c.298G>A (p.Asp100Asn)

Gene: KCNC1 (potassium voltage-gated channel subfamily C member 1; plus strand). Cytogenetic location: 11p15.1.
Variant type: single nucleotide variant.
Coding change: c.298G>A on transcript NM_001112741.2 (MANE Select); coding-DNA position 298, G replaced by A.
Protein change: p.Asp100Asn; replaces aspartic acid 100 with asparagine.
Molecular consequence: missense variant.
Genome position (GRCh38, 1-based): chr11:17,736,300, G>A. VCF-style: chr11-17736300-G-A. GRCh37 (hg19) VCF-style: chr11-17757847-G-A.
Other names: c.298G>A, p.Asp100Asn (NM_004976.4); short protein forms D100N.
Identifiers: ClinVar variation 4847786 (VCV004847786.1).